The following is an entry in ClinVar:

NM_000535.7(PMS2):c.1707T>C (p.Thr569=)

Gene: PMS2 (PMS1 homolog 2, mismatch repair system component; minus strand). Cytogenetic location: 7p22.1.
Variant type: single nucleotide variant.
Coding change: c.1707T>C on transcript NM_000535.7 (MANE Select); coding-DNA position 1707, T replaced by C.
Protein change: p.Thr569=; no amino-acid change (threonine 569 retained).
Molecular consequence: synonymous variant. On other transcripts: non-coding transcript variant (1), intron variant (1).
Genome position (GRCh38, 1-based): chr7:5,987,058, A>G on the plus strand (T>C on the coding strand, the complement: PMS2 is on the minus strand). VCF-style: chr7-5987058-A-G. GRCh37 (hg19) VCF-style: chr7-6026689-A-G.
Other names: c.1302T>C, p.Thr434= (NM_001322003.2, NM_001322004.2, NM_001322005.2 and 16 more transcripts); c.1551T>C, p.Thr517= (NM_001322006.2, NM_001406870.1); c.1389T>C, p.Thr463= (NM_001322007.2, NM_001322008.2, NM_001406876.1 and 2 more transcripts); c.1146T>C, p.Thr382= (NM_001322010.2, NM_001406906.1, NM_001406907.1); c.774T>C, p.Thr258= (NM_001322011.2, NM_001322012.2); c.1134T>C, p.Thr378= (NM_001322013.2, NM_001406909.1); c.1707T>C, p.Thr569= (NM_001322014.2, NM_001406871.1, NM_001406872.1); c.1398T>C, p.Thr466= (NM_001322015.2, NM_001406875.1, NM_001406877.1 and 5 more transcripts); and 13 more.
Identifiers: ClinVar variation 3903569 (VCV003903569.1).

ClinVar aggregate classification (germline): Benign (1 of 4 stars; one submission).

Conditions:
Lynch syndrome 4 (LYNCH4). Also called: Colorectal cancer, hereditary nonpolyposis, type 4; Hereditary non-polyposis colorectal cancer, type 4. Identifiers: Orphanet 144, MedGen C1838333, MONDO:0013699, OMIM 614337. Disease mechanism: loss of function.

Submission:

Myriad Genetics, Inc.
Classification: Benign for Lynch syndrome 4. Last evaluated: 2025-01-31. Review status: criteria provided, single submitter. Criteria: Myriad Autosomal Dominant, Autosomal Recessive and X-Linked Classification Criteria (2023). Collection method: clinical testing. Allele origin: unknown.
Comment: This variant is considered benign. This variant is a silent/synonymous amino acid change and it is not expected to impact splicing.